The following is an entry in ClinVar:

ClinVar aggregate classification (germline): Conflicting classifications of pathogenicity. Review status: criteria provided, conflicting classifications (1 of 4 stars). 5 submissions from 5 submitters: Uncertain significance (1); Likely benign (4). Last evaluated 2026-07-01.

Conditions:
Inborn genetic diseases. Identifiers: MedGen C0950123, MeSH D030342.
Mucopolysaccharidosis type 6 (MPS6). Also called: MPS VI; ARSB DEFICIENCY; ARYLSULFATASE B DEFICIENCY; N-ACETYLGALACTOSAMINE-4-SULFATASE DEFICIENCY; MPS 6; Maroteaux Lamy syndrome. Identifiers: Orphanet 583, MedGen C0026709, MONDO:0009661, OMIM 253200.
ARSB-related disorder. Also called: ARSB-related condition.

Allele frequency attached by ClinVar (database versions not stated): gnomAD 0.00005 and 0.00011; ExAC 0.00016; 1000 Genomes Project 0.00020; gnomAD exomes 0.00009 and 0.00012; TOPMed 0.00012; 1000 Genomes Project 30x 0.00016.
gnomAD v4.1: 154 of 1,614,092 alleles (0.0095%); highest among the groups gnomAD compares: East Asian, 0.24%; 1 homozygote.

Submissions (5):

CeGaT Center for Human Genetics Tuebingen
Classification: Likely benign. Last evaluated: 2026-07-01. Review status: criteria provided, single submitter. Criteria: CeGaT Center For Human Genetics Tuebingen Variant Classification Criteria Version 2. Collection method: clinical testing. Allele origin: germline. Affected: yes. Observed: 1 variant allele.
Comment: ARSB: BP5

Labcorp Genetics (formerly Invitae), Labcorp
Classification: Likely benign for Mucopolysaccharidosis type 6. Last evaluated: 2026-01-19. Review status: criteria provided, single submitter. Criteria: Invitae Variant Classification Sherloc (09022015). Collection method: clinical testing. Allele origin: germline.

PreventionGenetics, part of Exact Sciences
Classification: Likely benign for ARSB-related condition. Last evaluated: 2024-10-22. Review status: criteria provided, single submitter. Criteria: ACMG Guidelines, 2015. Collection method: clinical testing. Allele origin: germline.
Comment: This variant is classified as likely benign based on ACMG/AMP sequence variant interpretation guidelines (Richards et al. 2015 PMID: 25741868, with internal and published modifications).

Ambry Genetics
Classification: Uncertain significance for Inborn genetic diseases. Last evaluated: 2021-09-16. Review status: criteria provided, single submitter. Criteria: Ambry Variant Classification Scheme 2023. Collection method: clinical testing. Allele origin: germline.

Genome-Nilou Lab
Classification: Likely benign for Mucopolysaccharidosis type 6. Last evaluated: 2021-07-14. Review status: criteria provided, single submitter. Criteria: ACMG Guidelines, 2015. Collection method: clinical testing. Allele origin: germline. Affected: no.

NM_000046.5(ARSB):c.658A>G (p.Ile220Val)

Gene: ARSB (arylsulfatase B; minus strand). Cytogenetic location: 5q14.1.
Variant type: single nucleotide variant.
Coding change: c.658A>G on transcript NM_000046.5 (MANE Select); coding-DNA position 658, A replaced by G.
Protein change: p.Ile220Val; replaces isoleucine 220 with valine.
Molecular consequence: missense variant.
Genome position (GRCh38, 1-based): chr5:78,964,448, T>C on the plus strand (A>G on the coding strand, the complement: ARSB is on the minus strand). VCF-style: chr5-78964448-T-C. GRCh37 (hg19) VCF-style: chr5-78260271-T-C.
Other names: c.658A>G (NM_000046.3); c.658A>G, p.Ile220Val (NM_198709.3); short protein forms I220V.
Identifiers: ClinVar variation 1108226 (VCV001108226.15), dbSNP rs202130413, ClinGen allele CA3318215.